The following is an entry in ClinVar:

ClinVar aggregate classification (germline): Pathogenic/Likely pathogenic. Review status: criteria provided, multiple submitters, no conflicts (2 of 4 stars). 2 submissions from 2 submitters: Pathogenic (1); Likely pathogenic (1). Last evaluated 2022-10-27.

Allele frequency attached by ClinVar (database versions not stated): TOPMed below 0.00001.

Submissions (2):

Labcorp Genetics (formerly Invitae), Labcorp
Classification: Pathogenic. Last evaluated: 2022-10-27. Review status: criteria provided, single submitter. Criteria: Invitae Variant Classification Sherloc (09022015). Collection method: clinical testing. Allele origin: germline.
Comment: For these reasons, this variant has been classified as Pathogenic. Algorithms developed to predict the effect of sequence changes on RNA splicing suggest that this variant may create or strengthen a splice site. ClinVar contains an entry for this variant (Variation ID: 1184910). This variant has not been reported in the literature in individuals affected with GPR179-related conditions. This variant is present in population databases (no rsID available, gnomAD 0.007%). This sequence change creates a premature translational stop signal (p.Trp606*) in the GPR179 gene. It is expected to result in an absent or disrupted protein product. Loss-of-function variants in GPR179 are known to be pathogenic (PMID: 22325361, 22325362).

Institute of Medical Genetics and Applied Genomics, University Hospital Tübingen
Classification: Likely pathogenic. Last evaluated: 2021-06-17. Review status: criteria provided, single submitter. Criteria: ACMG Guidelines, 2015. Collection method: clinical testing. Allele origin: germline. Inheritance: Autosomal recessive inheritance. Affected: yes.

Literature cited by the submitters: PubMed 22325361 (cited by Labcorp Genetics (formerly Invitae), Labcorp); PubMed 22325362 (cited by Labcorp Genetics (formerly Invitae), Labcorp).

NM_001004334.4(GPR179):c.1818G>A (p.Trp606Ter)

Gene: GPR179 (G protein-coupled receptor 179; minus strand). Cytogenetic location: 17q12.
Variant type: single nucleotide variant.
Coding change: c.1818G>A on transcript NM_001004334.4 (MANE Select); coding-DNA position 1818, G replaced by A.
Protein change: p.Trp606Ter; replaces tryptophan 606 with a stop codon.
Molecular consequence: nonsense.
Genome position (GRCh38, 1-based): chr17:38,334,005, C>T on the plus strand (G>A on the coding strand, the complement: GPR179 is on the minus strand). VCF-style: chr17-38334005-C-T. GRCh37 (hg19) VCF-style: chr17-36489888-C-T.
Other names: short protein forms W606*.
Identifiers: ClinVar variation 1184910 (VCV001184910.7), dbSNP rs1268507778, ClinGen allele CA398885857.